The following is an entry in ClinVar:

ClinVar aggregate classification (germline): Conflicting classifications of pathogenicity. Review status: criteria provided, conflicting classifications (1 of 4 stars). 3 submissions from 1 submitter: Uncertain significance (2); Likely benign (1). Last evaluated 2018-01-13.

Conditions:
Age related macular degeneration 5. Identifiers: MedGen C3151063, MONDO:0013409, OMIM 613761.
Cerebrooculofacioskeletal syndrome 1 (COFS1). Also called: Cerebro-oculo-facio-skeletal syndrome 1. Identifiers: MedGen C0220722, MONDO:0008955, OMIM 214150.
Cockayne syndrome type 2 (CSB). Also called: COCKAYNE SYNDROME B; Cockayne Syndrome, Type II. Identifiers: Orphanet 191, Orphanet 90322, MedGen C0751038, MONDO:0019570, OMIM 133540.

Allele frequency attached by ClinVar (database versions not stated): gnomAD 0.00077 and 0.00078; TOPMed 0.00079; 1000 Genomes Project 0.00140; 1000 Genomes Project 30x 0.00156.

Submissions (3):

Illumina Laboratory Services, Illumina
Classification: Uncertain significance for Cockayne syndrome type 2. Last evaluated: 2018-01-13. Review status: criteria provided, single submitter. Criteria: ICSL Variant Classification Criteria 13 December 2019. Collection method: clinical testing. Allele origin: germline.

Illumina Laboratory Services, Illumina
Classification: Uncertain significance for Cerebrooculofacioskeletal syndrome 1. Last evaluated: 2018-01-13. Review status: criteria provided, single submitter. Criteria: ICSL Variant Classification Criteria 13 December 2019. Collection method: clinical testing. Allele origin: germline.

Illumina Laboratory Services, Illumina
Classification: Likely benign for Age related macular degeneration 5. Last evaluated: 2018-01-13. Review status: criteria provided, single submitter. Criteria: ICSL Variant Classification Criteria 13 December 2019. Collection method: clinical testing. Allele origin: germline.
Comment: This variant was observed in the ICSL laboratory as part of a predisposition screen in an ostensibly healthy population. It had not been previously curated by ICSL or reported in the Human Gene Mutation Database (HGMD: prior to June 1st, 2018), and was therefore a candidate for classification through an automated scoring system. Utilizing variant allele frequency, disease prevalence and penetrance estimates, and inheritance mode, an automated score was calculated to assess if this variant is too frequent to cause the disease. Based on the score and internal cut-off values, a variant classified as likely benign is not then subjected to further curation. The score for this variant resulted in a classification of likely benign for this disease.

NM_000124.4(ERCC6):c.*813C>T

Gene: ERCC6 (ERCC excision repair 6, chromatin remodeling factor; minus strand). Cytogenetic location: 10q11.23.
Variant type: single nucleotide variant.
Coding change: c.*813C>T on transcript NM_000124.4 (MANE Select); 813 bases downstream of the stop codon, C replaced by T.
Molecular consequence: 3 prime UTR variant.
Genome position (GRCh38, 1-based): chr10:49,458,002, G>A on the plus strand (C>T on the coding strand, the complement: ERCC6 is on the minus strand). VCF-style: chr10-49458002-G-A. GRCh37 (hg19) VCF-style: chr10-50666048-G-A.
Other names: c.*813C>T (NM_001346440.2).
Identifiers: ClinVar variation 879644 (VCV000879644.4), dbSNP rs181327678, ClinGen allele CA206613989.